The following is an entry in ClinVar:

NM_000088.4(COL1A1):c.1305del (p.Glu435fs)

Gene: COL1A1 (collagen type I alpha 1 chain; minus strand). Cytogenetic location: 17q21.33.
Variant type: Deletion.
Coding change: c.1305del on transcript NM_000088.4 (MANE Select); coding-DNA position 1305, one base deleted (A; older notation c.1305delA).
Protein change: p.Glu435fs; shifts the reading frame from glutamic acid 435.
Molecular consequence: frameshift variant.
Genome position (GRCh38, 1-based): chr17:50,195,095, T deleted on the plus strand (A on the coding strand, the reverse complement: COL1A1 is on the minus strand); the first of 2 consecutive T bases (chr17:50,195,095-50,195,096); deleting either gives the same sequence. VCF-style (leftmost placement, unchanged base first): chr17-50195094-GT-G. GRCh37 (hg19) VCF-style: chr17-48272455-GT-G.
Other names: short protein forms E435fs.
Identifiers: ClinVar variation 845123 (VCV000845123.9), dbSNP rs1907457376, ClinGen allele CA916081209.

ClinVar aggregate classification (germline): Pathogenic (1 of 4 stars; one submission).

Conditions:
Osteogenesis imperfecta type I (OI1). Also called: OI, TYPE I; OSTEOGENESIS IMPERFECTA TARDA; OSTEOGENESIS IMPERFECTA WITH BLUE SCLERAE; Osteogenesis imperfecta type 1; Lobstein disease; Classic Non-deforming Osteogenesis Imperfecta with Blue Sclerae. Identifiers: Orphanet 216796, Orphanet 666, MedGen C0023931, MONDO:0008146, OMIM 166200. Disease mechanism: loss of function.

Submission:

Labcorp Genetics (formerly Invitae), Labcorp
Classification: Pathogenic for Osteogenesis imperfecta type I. Last evaluated: 2023-12-02. Review status: criteria provided, single submitter. Criteria: Invitae Variant Classification Sherloc (09022015). Collection method: clinical testing. Allele origin: germline.
Comment: This sequence change creates a premature translational stop signal (p.Glu435Aspfs*106) in the COL1A1 gene. It is expected to result in an absent or disrupted protein product. Loss-of-function variants in COL1A1 are known to be pathogenic (PMID: 7942841, 9295084, 9443882). This variant is not present in population databases (gnomAD no frequency). This variant has not been reported in the literature in individuals affected with COL1A1-related conditions. ClinVar contains an entry for this variant (Variation ID: 845123). For these reasons, this variant has been classified as Pathogenic.

Literature cited by the submitters: PubMed 7942841; PubMed 9295084; PubMed 9443882.